The following is an entry in ClinVar:

NM_001127222.2(CACNA1A):c.2856C>A (p.Asp952Glu)

Gene: CACNA1A (calcium voltage-gated channel subunit alpha1 A; minus strand). Cytogenetic location: 19p13.13.
Variant type: single nucleotide variant.
Coding change: c.2856C>A on transcript NM_001127222.2 (MANE Select); coding-DNA position 2856, C replaced by A.
Protein change: p.Asp952Glu; replaces aspartic acid 952 with glutamic acid.
Molecular consequence: missense variant.
Genome position (GRCh38, 1-based): chr19:13,298,777, G>T on the plus strand (C>A on the coding strand, the complement: CACNA1A is on the minus strand). VCF-style: chr19-13298777-G-T. GRCh37 (hg19) VCF-style: chr19-13409591-G-T.
Other names: c.2868C>A, p.Asp956Glu (NM_000068.4, NM_023035.3); c.2859C>A, p.Asp953Glu (NM_001127221.2, NM_001174080.2); short protein forms D952E, D953E, D956E.
Identifiers: ClinVar variation 1385687 (VCV001385687.8), dbSNP rs2057726092, ClinGen allele CA404342581.

ClinVar aggregate classification (germline): Uncertain significance (1 of 4 stars; one submission).

Conditions:
Developmental and epileptic encephalopathy, 42 (DEE42A). Also called: Epileptic encephalopathy, early infantile, 42; DEVELOPMENTAL AND EPILEPTIC ENCEPHALOPATHY 42A; EPILEPTIC ENCEPHALOPATHY, EARLY INFANTILE, 42A. Identifiers: MedGen C4310716, MONDO:0014917, OMIM 617106.
Episodic ataxia type 2 (EA2). Also called: EPISODIC ATAXIA, NYSTAGMUS-ASSOCIATED; ACETAZOLAMIDE-RESPONSIVE HEREDITARY PAROXYSMAL CEREBELLAR ATAXIA; ATAXIA, EPISODIC, WITH NYSTAGMUS; ATAXIA, FAMILIAL PAROXYSMAL; CEREBELLAR ATAXIA, PAROXYSMAL, ACETAZOLAMIDE-RESPONSIVE; CEREBELLOPATHY, HEREDITARY PAROXYSMAL. Identifiers: Orphanet 97, MedGen C1720416, MONDO:0007163, OMIM 108500.

gnomAD v4.1: 6 of 1,530,118 alleles (0.00039%); highest among the groups gnomAD compares: Non-Finnish European, 0.00052%; no homozygotes.

Submission:

Labcorp Genetics (formerly Invitae), Labcorp
Classification: Uncertain significance for Developmental and epileptic encephalopathy, 42; Episodic ataxia type 2. Last evaluated: 2024-10-17. Review status: criteria provided, single submitter. Criteria: Invitae Variant Classification Sherloc (09022015). Collection method: clinical testing. Allele origin: germline.
Comment: This sequence change replaces aspartic acid, which is acidic and polar, with glutamic acid, which is acidic and polar, at codon 953 of the CACNA1A protein (p.Asp953Glu). This variant is not present in population databases (gnomAD no frequency). This variant has not been reported in the literature in individuals affected with CACNA1A-related conditions. ClinVar contains an entry for this variant (Variation ID: 1385687). Invitae Evidence Modeling of protein sequence and biophysical properties (such as structural, functional, and spatial information, amino acid conservation, physicochemical variation, residue mobility, and thermodynamic stability) indicates that this missense variant is not expected to disrupt CACNA1A protein function with a negative predictive value of 95%. In summary, the available evidence is currently insufficient to determine the role of this variant in disease. Therefore, it has been classified as a Variant of Uncertain Significance.